The following is an entry in ClinVar:

ClinVar aggregate classification (germline): Uncertain significance (0 of 4 stars; one submission).

Allele frequency attached by ClinVar (database versions not stated): gnomAD 0.00003 and 0.00002; gnomAD exomes 0.00004 and 0.00006; TOPMed 0.00003; ExAC 0.00004; ESP Exome Variant Server 0.00015.
gnomAD v4.1: 90 of 1,613,988 alleles (0.0056%); highest among the groups gnomAD compares: Non-Finnish European, 0.0069%; no homozygotes.

Submission:

Martin Pollak Laboratory,  Beth Israel Deaconess Medical Center
Classification: Uncertain significance. Review status: no assertion criteria provided. Collection method: not provided. Allele origin: unknown.
Comment: Higher UCa2+ group
ClinVar note: Converted during submission from unknown to Uncertain significance.

NM_019841.7(TRPV5):c.535G>A (p.Val179Met)

Gene: TRPV5 (transient receptor potential cation channel subfamily V member 5; minus strand). Cytogenetic location: 7q34.
Variant type: single nucleotide variant.
Coding change: c.535G>A on transcript NM_019841.7 (MANE Select); coding-DNA position 535, G replaced by A.
Protein change: p.Val179Met; replaces valine 179 with methionine.
Molecular consequence: missense variant.
Genome position (GRCh38, 1-based): chr7:142,929,073, C>T on the plus strand (G>A on the coding strand, the complement: TRPV5 is on the minus strand). VCF-style: chr7-142929073-C-T. GRCh37 (hg19) VCF-style: chr7-142626168-C-T.
Other names: short protein forms V179M.
Identifiers: ClinVar variation 64573 (VCV000064573.2), dbSNP rs373756563, ClinGen allele CA216429.